The following is an entry in ClinVar:

NM_001379286.1(ZNF423):c.1978A>G (p.Lys660Glu)

Gene: ZNF423 (zinc finger protein 423; minus strand). Cytogenetic location: 16q12.1.
Variant type: single nucleotide variant.
Coding change: c.1978A>G on transcript NM_001379286.1 (MANE Select); coding-DNA position 1978, A replaced by G.
Protein change: p.Lys660Glu; replaces lysine 660 with glutamic acid.
Molecular consequence: missense variant.
Genome position (GRCh38, 1-based): chr16:49,637,198, T>C on the plus strand (A>G on the coding strand, the complement: ZNF423 is on the minus strand). VCF-style: chr16-49637198-T-C. GRCh37 (hg19) VCF-style: chr16-49671109-T-C.
Other names: c.1774A>G, p.Lys592Glu (NM_001271620.2); c.1603A>G, p.Lys535Glu (NM_001330533.2); c.1954A>G, p.Lys652Glu (NM_015069.5); short protein forms K592E, K652E, K660E, K535E.
Identifiers: ClinVar variation 936899 (VCV000936899.9), dbSNP rs1555515380, ClinGen allele CA395845203.
Genomic context (GRCh38, chr16:49,637,198, plus strand): 5'-CAAAGTCCTCTTTGCACTGGGGGCACGCTTGCTTCCGCAGCAGCAGCTCCAGGTGCAGCT[T>C]CAGGTGGGTCTGGAAGCTCTCAAAGTTGGAGAACTTGAGGTCGCATTGATTGCAAGGATA-3'
Protein context (NP_001366215.1, residues 650-670): SNFESFQTHL[Lys660Glu]LHLELLLRKQ

ClinVar aggregate classification (germline): Uncertain significance (1 of 4 stars; one submission).

Conditions:
Nephronophthisis 14 (NPHP14). Identifiers: Orphanet 2318, MedGen C3539071, MONDO:0013916, OMIM 614844.

Submission:

Labcorp Genetics (formerly Invitae), Labcorp
Classification: Uncertain significance for Nephronophthisis 14. Last evaluated: 2024-03-11. Review status: criteria provided, single submitter. Criteria: Invitae Variant Classification Sherloc (09022015). Collection method: clinical testing. Allele origin: germline.
Comment: This sequence change replaces lysine, which is basic and polar, with glutamic acid, which is acidic and polar, at codon 652 of the ZNF423 protein (p.Lys652Glu). This variant is not present in population databases (gnomAD no frequency). This variant has not been reported in the literature in individuals affected with ZNF423-related conditions. ClinVar contains an entry for this variant (Variation ID: 936899). Advanced modeling of protein sequence and biophysical properties (such as structural, functional, and spatial information, amino acid conservation, physicochemical variation, residue mobility, and thermodynamic stability) performed at Invitae indicates that this missense variant is not expected to disrupt ZNF423 protein function with a negative predictive value of 80%. In summary, the available evidence is currently insufficient to determine the role of this variant in disease. Therefore, it has been classified as a Variant of Uncertain Significance.